The following is an entry in ClinVar:

ClinVar aggregate classification (germline): Uncertain significance. Review status: criteria provided, multiple submitters, no conflicts (2 of 4 stars). 2 submissions from 2 submitters: Uncertain significance (2). Last evaluated 2025-03-13.

Conditions:
Cone-rod dystrophy 6 (CORD6). Also called: Cone dystrophy progressive; RETINAL CONE DYSTROPHY 2. Identifiers: Orphanet 1872, MedGen C1866293, MONDO:0011143, OMIM 601777.
Leber congenital amaurosis 1 (LCA1). Also called: AMAUROSIS CONGENITA OF LEBER I; Congenital absence of the rods and cones; Leber's congenital tapetoretinal degeneration; Leber's congenital tapetoretinal dysplasia; RETINAL BLINDNESS, CONGENITAL. Identifiers: Orphanet 65, MedGen C2931258, MONDO:0008764, OMIM 204000.
GUCY2D-related disorder. Also called: GUCY2D-related condition.

gnomAD v4.1: 15 of 1,613,610 alleles (0.00093%); highest among the groups gnomAD compares: East Asian, 0.0045%; no homozygotes.

Submissions (2):

Labcorp Genetics (formerly Invitae), Labcorp
Classification: Uncertain significance for Leber congenital amaurosis 1; Cone-rod dystrophy 6. Last evaluated: 2025-03-13. Review status: criteria provided, single submitter. Criteria: Invitae Variant Classification Sherloc (09022015). Collection method: clinical testing. Allele origin: germline.
Comment: This sequence change replaces alanine, which is neutral and non-polar, with valine, which is neutral and non-polar, at codon 608 of the GUCY2D protein (p.Ala608Val). This variant is not present in population databases (gnomAD no frequency). This variant has not been reported in the literature in individuals affected with GUCY2D-related conditions. Invitae Evidence Modeling of protein sequence and biophysical properties (such as structural, functional, and spatial information, amino acid conservation, physicochemical variation, residue mobility, and thermodynamic stability) indicates that this missense variant is not expected to disrupt GUCY2D protein function with a negative predictive value of 95%. In summary, the available evidence is currently insufficient to determine the role of this variant in disease. Therefore, it has been classified as a Variant of Uncertain Significance.

PreventionGenetics, part of Exact Sciences
Classification: Uncertain significance for GUCY2D-related condition. Last evaluated: 2024-12-19. Review status: criteria provided, single submitter. Criteria: ACMG Guidelines, 2015. Collection method: clinical testing. Allele origin: germline.
Comment: The GUCY2D c.1823C>T variant is predicted to result in the amino acid substitution p.Ala608Val. To our knowledge, this variant has not been reported in the literature or in a large population database (gnomAD), indicating this variant is rare. At this time, the clinical significance of this variant is uncertain due to the absence of conclusive functional and genetic evidence.

NM_000180.4(GUCY2D):c.1823C>T (p.Ala608Val)

Gene: GUCY2D (guanylate cyclase 2D, retinal; plus strand). Cytogenetic location: 17p13.1.
Variant type: single nucleotide variant.
Coding change: c.1823C>T on transcript NM_000180.4 (MANE Select); coding-DNA position 1823, C replaced by T.
Protein change: p.Ala608Val; replaces alanine 608 with valine.
Molecular consequence: missense variant.
Genome position (GRCh38, 1-based): chr17:8,012,217, C>T. VCF-style: chr17-8012217-C-T. GRCh37 (hg19) VCF-style: chr17-7915535-C-T.
Other names: c.1823C>T (NM_000180.3); short protein forms A608V.
Identifiers: ClinVar variation 3753167 (VCV003753167.3).